The following is an entry in ClinVar:

ClinVar aggregate classification (germline): Uncertain significance. Review status: criteria provided, multiple submitters, no conflicts (2 of 4 stars). 2 submissions from 2 submitters: Uncertain significance (2). Last evaluated 2023-09-06.

Allele frequency attached by ClinVar (database versions not stated): gnomAD exomes below 0.00001; TOPMed 0.00001; gnomAD 0.00003.
gnomAD v4.1: 9 of 1,613,754 alleles (0.00056%); highest among the groups gnomAD compares: Non-Finnish European, 0.00076%; no homozygotes.

Submissions (2):

Labcorp Genetics (formerly Invitae), Labcorp
Classification: Uncertain significance. Last evaluated: 2023-09-06. Review status: criteria provided, single submitter. Criteria: Invitae Variant Classification Sherloc (09022015). Collection method: clinical testing. Allele origin: germline.
Comment: In summary, the available evidence is currently insufficient to determine the role of this variant in disease. Therefore, it has been classified as a Variant of Uncertain Significance. Advanced modeling of protein sequence and biophysical properties (such as structural, functional, and spatial information, amino acid conservation, physicochemical variation, residue mobility, and thermodynamic stability) performed at Invitae indicates that this missense variant is not expected to disrupt TEAD1 protein function. ClinVar contains an entry for this variant (Variation ID: 1501623). This variant has not been reported in the literature in individuals affected with TEAD1-related conditions. This variant is present in population databases (no rsID available, gnomAD 0.0009%). This sequence change replaces proline, which is neutral and non-polar, with leucine, which is neutral and non-polar, at codon 148 of the TEAD1 protein (p.Pro148Leu).

Blueprint Genetics
Classification: Uncertain significance. Last evaluated: 2022-03-24. Review status: criteria provided, single submitter. Criteria: ACMG Guidelines, 2015. Collection method: clinical testing. Allele origin: germline.

NM_021961.6(TEAD1):c.443C>T (p.Pro148Leu)

Gene: TEAD1 (TEA domain transcription factor 1; plus strand). Cytogenetic location: 11p15.3.
Variant type: single nucleotide variant.
Coding change: c.443C>T on transcript NM_021961.6 (MANE Select); coding-DNA position 443, C replaced by T.
Protein change: p.Pro148Leu; replaces proline 148 with leucine.
Molecular consequence: missense variant.
Genome position (GRCh38, 1-based): chr11:12,879,820, C>T. VCF-style: chr11-12879820-C-T. GRCh37 (hg19) VCF-style: chr11-12901367-C-T.
Other names: short protein forms P148L.
Identifiers: ClinVar variation 1501623 (VCV001501623.9), dbSNP rs1358713940, ClinGen allele CA379711988.